The following is an entry in ClinVar:

NM_001348716.2(KDM6B):c.440T>C (p.Ile147Thr)

Gene: KDM6B (lysine demethylase 6B; plus strand). Cytogenetic location: 17p13.1.
Variant type: single nucleotide variant.
Coding change: c.440T>C on transcript NM_001348716.2 (MANE Select); coding-DNA position 440, T replaced by C.
Protein change: p.Ile147Thr; replaces isoleucine 147 with threonine.
Molecular consequence: missense variant.
Genome position (GRCh38, 1-based): chr17:7,846,281, T>C. VCF-style: chr17-7846281-T-C. GRCh37 (hg19) VCF-style: chr17-7749599-T-C.
Other names: c.440T>C, p.Ile147Thr (NM_001080424.2); short protein forms I147T.
Identifiers: ClinVar variation 2633015 (VCV002633015.1), dbSNP rs1259313427, ClinGen allele CA397912231.

ClinVar aggregate classification (germline): Uncertain significance (1 of 4 stars; one submission).

Conditions:
KDM6B-related disorder. Also called: KDM6B-related condition.

Allele frequency attached by ClinVar (database versions not stated): gnomAD 0.00001; gnomAD exomes below 0.00001; TOPMed below 0.00001.
gnomAD v4.1: 4 of 1,613,276 alleles (0.00025%); highest among the groups gnomAD compares: Non-Finnish European, 0.00034%; no homozygotes.

Submission:

PreventionGenetics, part of Exact Sciences
Classification: Uncertain significance for KDM6B-related condition. Last evaluated: 2023-04-19. Review status: criteria provided, single submitter. Criteria: ACMG Guidelines, 2015. Collection method: clinical testing. Allele origin: germline.
Comment: The KDM6B c.440T>C variant is predicted to result in the amino acid substitution p.Ile147Thr. To our knowledge, this variant has not been reported in the literature or in a large population database, indicating this variant is rare. At this time, the clinical significance of this variant is uncertain due to the absence of conclusive functional and genetic evidence.